The following is an entry in ClinVar:

ClinVar aggregate classification (germline): Uncertain significance. Review status: criteria provided, multiple submitters, no conflicts (2 of 4 stars). 2 submissions from 2 submitters: Uncertain significance (2). Last evaluated 2025-02-15.

Submissions (2):

Mayo Clinic Laboratories, Mayo Clinic
Classification: Uncertain significance. Last evaluated: 2025-02-15. Review status: criteria provided, single submitter. Criteria: ACMG Guidelines, 2015. Collection method: clinical testing. Allele origin: germline. Observed: 1 variant allele.
Comment: PM2_supporting, PM4

Labcorp Genetics (formerly Invitae), Labcorp
Classification: Uncertain significance. Last evaluated: 2022-08-23. Review status: criteria provided, single submitter. Criteria: Invitae Variant Classification Sherloc (09022015). Collection method: clinical testing. Allele origin: germline.
Comment: This variant, c.1877_1885del, results in the deletion of 3 amino acid(s) of the ZNF469 protein (p.Pro626_Pro628del), but otherwise preserves the integrity of the reading frame. This variant is present in population databases (no rsID available, gnomAD 0.002%). This variant has been observed in individual(s) with keratoconus (PMID: 29228253). ClinVar contains an entry for this variant (Variation ID: 1497063). Experimental studies and prediction algorithms are not available or were not evaluated, and the functional significance of this variant is currently unknown. In summary, the available evidence is currently insufficient to determine the role of this variant in disease. Therefore, it has been classified as a Variant of Uncertain Significance.

Literature cited by the submitters: PubMed 29228253 (cited by Mayo Clinic Laboratories, Mayo Clinic and Labcorp Genetics (formerly Invitae), Labcorp).

NM_001367624.2(ZNF469):c.1877_1885del (p.Pro626_Pro628del)

Gene: ZNF469 (zinc finger protein 469; plus strand). Cytogenetic location: 16q24.2.
Variant type: Deletion.
Coding change: c.1877_1885del on transcript NM_001367624.2 (MANE Select); coding-DNA positions 1877 to 1885, 9 bases deleted (CCGGCCCCC; older notation c.1877_1885delCCGGCCCCC).
Protein change: p.Pro626_Pro628del.
Molecular consequence: inframe deletion.
Genome position (GRCh38, 1-based): chr16:88,429,347-88,429,355, CCGGCCCCC deleted; deleting any 9 consecutive bases within chr16:88,429,345-88,429,355 gives the same sequence; the c. name uses the placement nearest the transcript's 3' end. VCF-style (leftmost placement, unchanged base first): chr16-88429344-TCCCCGGCCC-T. GRCh37 (hg19) VCF-style: chr16-88495752-TCCCCGGCCC-T.
Other names: p.Pro626_Pro628del.
Identifiers: ClinVar variation 1497063 (VCV001497063.4), dbSNP rs1567510023, ClinGen allele CA624447572.